The following is an entry in ClinVar:

ClinVar aggregate classification (germline): Uncertain significance. Review status: criteria provided, single submitter (1 of 4 stars). 2 submissions from 2 submitters: Uncertain significance (1). 1 of the submissions does not count toward it. Last evaluated 2024-12-16.

Conditions:
Dyskeratosis congenita. Identifiers: Orphanet 1775, MedGen C0265965, MONDO:0015780.
Inborn genetic diseases. Identifiers: MedGen C0950123, MeSH D030342.

Submissions (2):

Ambry Genetics
Classification: Uncertain significance for Inborn genetic diseases. Last evaluated: 2024-12-16. Review status: criteria provided, single submitter. Criteria: Ambry Variant Classification Scheme 2023. Collection method: clinical testing. Allele origin: germline.
Comment: The p.D719Y variant (also known as c.2155G>T), located in coding exon 24 of the RTEL1 gene, results from a G to T substitution at nucleotide position 2155. The aspartic acid at codon 719 is replaced by tyrosine, an amino acid with highly dissimilar properties. This amino acid position is conserved. In addition, the in silico prediction for this alteration is inconclusive. Based on the available evidence, the clinical significance of this variant remains unclear.

Natera, Inc.
Classification: Uncertain significance for Dyskeratosis congenita. Last evaluated: 2025-04-30. Review status: no assertion criteria provided. Collection method: clinical testing. Allele origin: germline. Not counted in ClinVar's aggregate classification.

NM_001283009.2(RTEL1):c.2155G>T (p.Asp719Tyr)

Genes: RTEL1-TNFRSF6B (RTEL1-TNFRSF6B readthrough (NMD candidate); plus strand), RTEL1 (regulator of telomere elongation helicase 1; plus strand). Cytogenetic location: 20q13.33.
Variant type: single nucleotide variant.
Coding change: c.2155G>T on transcript NM_001283009.2 (MANE Select); coding-DNA position 2155, G replaced by T.
Protein change: p.Asp719Tyr; replaces aspartic acid 719 with tyrosine.
Molecular consequence: missense variant. On other transcripts: non-coding transcript variant (1).
Genome position (GRCh38, 1-based): chr20:63,690,100, G>T. VCF-style: chr20-63690100-G-T. GRCh37 (hg19) VCF-style: chr20-62321453-G-T.
Other names: c.1486G>T, p.Asp496Tyr (NM_001283010.1); c.2155G>T, p.Asp719Tyr (NM_016434.4); c.2227G>T, p.Asp743Tyr (NM_032957.5); c.2227G>T (NM_032957.4); short protein forms D496Y, D719Y, D743Y.
Identifiers: ClinVar variation 3790979 (VCV003790979.2).